The following is an entry in ClinVar:

ClinVar aggregate classification (germline): Uncertain significance. Review status: criteria provided, multiple submitters, no conflicts (2 of 4 stars). 2 submissions from 2 submitters: Uncertain significance (2). Last evaluated 2022-03-15.

Conditions:
Combined immunodeficiency due to LRBA deficiency. Also called: Common variable immunodeficiency 8, with autoimmunity. Identifiers: Orphanet 445018, MedGen C3553512, MONDO:0013863, OMIM 614700.

Allele frequency attached by ClinVar (database versions not stated): gnomAD below 0.00001 and 0.00003; TOPMed below 0.00001; gnomAD exomes 0.00005 and 0.00009; ExAC 0.00008.
gnomAD v4.1: 82 of 1,598,398 alleles (0.0051%); highest among the groups gnomAD compares: South Asian, 0.084%; no homozygotes.

Submissions (2):

Labcorp Genetics (formerly Invitae), Labcorp
Classification: Uncertain significance for Combined immunodeficiency due to LRBA deficiency. Last evaluated: 2022-03-15. Review status: criteria provided, single submitter. Criteria: Invitae Variant Classification Sherloc (09022015). Collection method: clinical testing. Allele origin: germline.
Comment: This sequence change replaces leucine, which is neutral and non-polar, with proline, which is neutral and non-polar, at codon 1841 of the LRBA protein (p.Leu1841Pro). This variant is present in population databases (rs752995422, gnomAD 0.07%). This variant has not been reported in the literature in individuals affected with LRBA-related conditions. ClinVar contains an entry for this variant (Variation ID: 809691). Algorithms developed to predict the effect of missense changes on protein structure and function are either unavailable or do not agree on the potential impact of this missense change (SIFT: "Deleterious"; PolyPhen-2: "Probably Damaging"; Align-GVGD: "Class C0"). In summary, the available evidence is currently insufficient to determine the role of this variant in disease. Therefore, it has been classified as a Variant of Uncertain Significance.

CeGaT Center for Human Genetics Tuebingen
Classification: Uncertain significance. Last evaluated: 2018-10-01. Review status: criteria provided, single submitter. Criteria: CeGaT Center For Human Genetics Tuebingen Variant Classification Criteria Version 2. Collection method: clinical testing. Allele origin: germline. Affected: yes. Observed: 1 variant allele.

NM_001364905.1(LRBA):c.5522T>C (p.Leu1841Pro)

Gene: LRBA (LPS responsive beige-like anchor protein; minus strand). Cytogenetic location: 4q31.3.
Variant type: single nucleotide variant.
Coding change: c.5522T>C on transcript NM_001364905.1 (MANE Select); coding-DNA position 5522, T replaced by C.
Protein change: p.Leu1841Pro; replaces leucine 1841 with proline.
Molecular consequence: missense variant.
Genome position (GRCh38, 1-based): chr4:150,798,139, A>G on the plus strand (T>C on the coding strand, the complement: LRBA is on the minus strand). VCF-style: chr4-150798139-A-G. GRCh37 (hg19) VCF-style: chr4-151719291-A-G.
Other names: c.5522T>C, p.Leu1841Pro (NM_001199282.3, NM_001367550.1, NM_006726.5); short protein forms L1841P.
Identifiers: ClinVar variation 809691 (VCV000809691.43), dbSNP rs752995422, ClinGen allele CA3102450.